The following is an entry in ClinVar:

ClinVar aggregate classification (germline): Uncertain significance (1 of 4 stars; one submission).

Conditions:
Dyskeratosis congenita. Identifiers: Orphanet 1775, MedGen C0265965, MONDO:0015780.

Submission:

Ambry Genetics
Classification: Uncertain significance for Dyskeratosis congenita. Last evaluated: 2022-03-14. Review status: criteria provided, single submitter. Criteria: Ambry Variant Classification Scheme 2023. Collection method: clinical testing. Allele origin: germline.
Comment: The p.P316H variant (also known as c.947C>A), located in coding exon 2 of the TERT gene, results from a C to A substitution at nucleotide position 947. The proline at codon 316 is replaced by histidine, an amino acid with similar properties. This amino acid position is conserved. In addition, the in silico prediction for this alteration is inconclusive. Since supporting evidence is limited at this time, the clinical significance of this alteration remains unclear.

NM_198253.3(TERT):c.947C>A (p.Pro316His)

Gene: TERT (telomerase reverse transcriptase; minus strand). Cytogenetic location: 5p15.33.
Variant type: single nucleotide variant.
Coding change: c.947C>A on transcript NM_198253.3 (MANE Select); coding-DNA position 947, C replaced by A.
Protein change: p.Pro316His; replaces proline 316 with histidine.
Molecular consequence: missense variant. On other transcripts: non-coding transcript variant (2).
Genome position (GRCh38, 1-based): chr5:1,293,939, G>T on the plus strand (C>A on the coding strand, the complement: TERT is on the minus strand). VCF-style: chr5-1293939-G-T. GRCh37 (hg19) VCF-style: chr5-1294054-G-T.
Other names: c.947C>A, p.Pro316His (NM_001193376.3, NM_003219.1); short protein forms P316H.
Identifiers: ClinVar variation 1767088 (VCV001767088.2), dbSNP rs2478417232, ClinGen allele CA359056102.